The following is an entry in ClinVar:

ClinVar aggregate classification (germline): Likely benign (0 of 4 stars; one submission).

Conditions:
TRPC5-related disorder. Also called: TRPC5-related condition.

Allele frequency attached by ClinVar (database versions not stated): ExAC 0.00022; gnomAD exomes 0.00023; TOPMed 0.00027; gnomAD 0.00032; ESP Exome Variant Server 0.00038.
gnomAD v4.1: 292 of 1,210,405 alleles (0.024%); highest among the groups gnomAD compares: Non-Finnish European, 0.023%; no homozygotes.

Submission:

PreventionGenetics, part of Exact Sciences
Classification: Likely benign for TRPC5-related condition. Last evaluated: 2022-07-28. Review status: no assertion criteria provided. Collection method: clinical testing. Allele origin: germline.
Comment: This variant is classified as likely benign based on ACMG/AMP sequence variant interpretation guidelines (Richards et al. 2015 PMID: 25741868, with internal and published modifications).

NM_012471.3(TRPC5):c.189C>T (p.Ile63=)

Gene: TRPC5 (transient receptor potential cation channel subfamily C member 5; minus strand). Cytogenetic location: Xq23.
Variant type: single nucleotide variant.
Coding change: c.189C>T on transcript NM_012471.3 (MANE Select); coding-DNA position 189, C replaced by T.
Protein change: p.Ile63=; no amino-acid change (isoleucine 63 retained).
Molecular consequence: synonymous variant.
Genome position (GRCh38, 1-based): chrX:111,952,232, G>A on the plus strand (C>T on the coding strand, the complement: TRPC5 is on the minus strand). VCF-style: chrX-111952232-G-A. GRCh37 (hg19) VCF-style: chrX-111195460-G-A.
Identifiers: ClinVar variation 3052160 (VCV003052160.2), dbSNP rs144277886, ClinGen allele CA10494447.